The following is an entry in ClinVar:

ClinVar aggregate classification (germline): Uncertain significance (1 of 4 stars; one submission).

Conditions:
Inborn genetic diseases. Identifiers: MedGen C0950123, MeSH D030342.

Submission:

Ambry Genetics
Classification: Uncertain significance for Inborn genetic diseases. Last evaluated: 2024-07-24. Review status: criteria provided, single submitter. Criteria: Ambry Variant Classification Scheme 2023. Collection method: clinical testing. Allele origin: germline.
Comment: The c.6926G>A (p.G2309E) alteration is located in exon 9 (coding exon 9) of the SON gene. This alteration results from a G to A substitution at nucleotide position 6926, causing the glycine (G) at amino acid position 2309 to be replaced by a glutamic acid (E). This variant was not reported in population-based cohorts in the Genome Aggregation Database (gnomAD). Another alteration at the same codon, c.6925G>A (p.G2309R), has been detected in one individual with autism (Miyake, 2023). This amino acid position is highly conserved in available vertebrate species. This missense alteration is located in a region that has a low rate of benign missense variation (Lek, 2016; Firth, 2009). This alteration is predicted to be deleterious by in silico analysis. Based on insufficient or conflicting evidence, the clinical significance of this alteration remains unclear.

Literature cited by the submitters: PubMed 36973392.

NM_138927.4(SON):c.6926G>A (p.Gly2309Glu)

Gene: SON (SON DNA and RNA binding protein; plus strand). Cytogenetic location: 21q22.11.
Variant type: single nucleotide variant.
Coding change: c.6926G>A on transcript NM_138927.4 (MANE Select); coding-DNA position 6926, G replaced by A.
Protein change: p.Gly2309Glu; replaces glycine 2309 with glutamic acid.
Molecular consequence: missense variant. On other transcripts: non-coding transcript variant (1).
Genome position (GRCh38, 1-based): chr21:33,573,348, G>A. VCF-style: chr21-33573348-G-A. GRCh37 (hg19) VCF-style: chr21-34945654-G-A.
Other names: c.1010G>A, p.Gly337Glu (NM_001291412.3); short protein forms G2309E, G337E.
Identifiers: ClinVar variation 3447144 (VCV003447144.1).